The following is an entry in ClinVar:

ClinVar aggregate classification (germline): Uncertain significance. Review status: criteria provided, multiple submitters, no conflicts (2 of 4 stars). 2 submissions from 2 submitters: Uncertain significance (2). Last evaluated 2026-08-13.

Conditions:
Ullrich congenital muscular dystrophy 2 (UCMD2). Identifiers: Orphanet 75840, MedGen C4225314, MONDO:0014654, OMIM 616470.
Bethlem myopathy 2 (BTHLM2). Identifiers: Orphanet 536516, Orphanet 610, MedGen C4225313, MONDO:0034022, OMIM 616471.
Inborn genetic diseases. Identifiers: MedGen C0950123, MeSH D030342.

gnomAD v4.1: 3 of 1,609,244 alleles (0.00019%); highest among the groups gnomAD compares: Non-Finnish European, 0.00025%; no homozygotes.

Submissions (2):

Ambry Genetics
Classification: Uncertain significance for Inborn genetic diseases. Last evaluated: 2026-08-13. Review status: criteria provided, single submitter. Criteria: Ambry Variant Classification Scheme 2023. Collection method: clinical testing. Allele origin: germline.

Labcorp Genetics (formerly Invitae), Labcorp
Classification: Uncertain significance for Bethlem myopathy 2; Ullrich congenital muscular dystrophy 2. Last evaluated: 2023-06-14. Review status: criteria provided, single submitter. Criteria: Invitae Variant Classification Sherloc (09022015). Collection method: clinical testing. Allele origin: germline.
Comment: In summary, the available evidence is currently insufficient to determine the role of this variant in disease. Therefore, it has been classified as a Variant of Uncertain Significance. Advanced modeling of protein sequence and biophysical properties (such as structural, functional, and spatial information, amino acid conservation, physicochemical variation, residue mobility, and thermodynamic stability) performed at Invitae indicates that this missense variant is expected to disrupt COL12A1 protein function. This variant has not been reported in the literature in individuals affected with COL12A1-related conditions. This variant is not present in population databases (gnomAD no frequency). This sequence change replaces proline, which is neutral and non-polar, with arginine, which is basic and polar, at codon 2606 of the COL12A1 protein (p.Pro2606Arg).

NM_004370.6(COL12A1):c.7817C>G (p.Pro2606Arg)

Gene: COL12A1 (collagen type XII alpha 1 chain; minus strand). Cytogenetic location: 6q13.
Variant type: single nucleotide variant.
Coding change: c.7817C>G on transcript NM_004370.6 (MANE Select); coding-DNA position 7817, C replaced by G.
Protein change: p.Pro2606Arg; replaces proline 2606 with arginine.
Molecular consequence: missense variant.
Genome position (GRCh38, 1-based): chr6:75,113,625, G>C on the plus strand (C>G on the coding strand, the complement: COL12A1 is on the minus strand). VCF-style: chr6-75113625-G-C. GRCh37 (hg19) VCF-style: chr6-75823341-G-C.
Other names: c.7817C>G, p.Pro2606Arg (NM_001424113.1); c.7796C>G, p.Pro2599Arg (NM_001424114.1); c.7544C>G, p.Pro2515Arg (NM_001424115.1); c.4325C>G, p.Pro1442Arg (NM_001424116.1, NM_080645.3); c.7817C>G (NM_004370.5); short protein forms P1442R, P2599R, P2515R, P2606R.
Identifiers: ClinVar variation 2937778 (VCV002937778.4), dbSNP rs201158030, ClinGen allele CA364744149.
Genomic context (GRCh38, chr6:75,113,625, plus strand): 5'-ACTAAGTATGCATGTGCCTTAAGATAAAAATTCTTACGATCTGCAATCACTCCAACTTGT[G>C]GTTTGTAGTCTCTGTCTGTGATTTGCCAAATTGCAAAAGGGTCACTGGGAGTTTCTGGGA-3'
Protein context (NP_004361.3, residues 2596-2616): IWQITDRDYK[Pro2606Arg]QVGVIADPSS